The following is an entry in ClinVar:

Single allele

Gene: LEPR (leptin receptor; plus strand). Cytogenetic location: 1p31.3.
Variant type: Deletion.
Identifiers: ClinVar variation 666597 (VCV000666597.1).

ClinVar aggregate classification (germline): Pathogenic (1 of 4 stars; one submission).

Conditions:
Obesity due to leptin receptor gene deficiency. Identifiers: Orphanet 179494, MedGen C3554225, MONDO:0013992, OMIM 614963.

Submission:

Equipe Genetique des Anomalies du Developpement, Université de Bourgogne
Classification: Pathogenic for Obesity due to leptin receptor gene deficiency. Last evaluated: 2018-07-17. Review status: criteria provided, single submitter. Criteria: ACMG Guidelines, 2015. Collection method: clinical testing. Allele origin: inherited. Affected: yes.
Comment: Observed as a homozygote.